The following is an entry in ClinVar:

NM_000629.3(IFNAR1):c.473T>C (p.Leu158Ser)

Gene: IFNAR1 (interferon alpha and beta receptor subunit 1; plus strand). Cytogenetic location: 21q22.11.
Variant type: single nucleotide variant.
Coding change: c.473T>C on transcript NM_000629.3 (MANE Select); coding-DNA position 473, T replaced by C.
Protein change: p.Leu158Ser; replaces leucine 158 with serine.
Molecular consequence: missense variant. On other transcripts: 5 prime UTR variant (1).
Genome position (GRCh38, 1-based): chr21:33,343,364, T>C. VCF-style: chr21-33343364-T-C. GRCh37 (hg19) VCF-style: chr21-34715670-T-C.
Other names: c.473T>C, p.Leu158Ser (NM_001384498.1, NM_001384499.1, NM_001384501.1 and 1 more transcripts); c.-314T>C (NM_001384500.1); c.11T>C, p.Leu4Ser (NM_001384502.1); c.266T>C, p.Leu89Ser (NM_001384504.1); short protein forms L158S, L89S, L4S.
Identifiers: ClinVar variation 2872028 (VCV002872028.3), dbSNP rs779126685, ClinGen allele CA410107405.

ClinVar aggregate classification (germline): Uncertain significance (1 of 4 stars; one submission).

Allele frequency attached by ClinVar (database versions not stated): TOPMed below 0.00001; gnomAD exomes 0.00001.
gnomAD v4.1: 7 of 1,613,190 alleles (0.00043%); highest among the groups gnomAD compares: African/African-American, 0.0013%; no homozygotes.

Submission:

Labcorp Genetics (formerly Invitae), Labcorp
Classification: Uncertain significance. Last evaluated: 2023-08-06. Review status: criteria provided, single submitter. Criteria: Invitae Variant Classification Sherloc (09022015). Collection method: clinical testing. Allele origin: germline.
Comment: This sequence change replaces leucine, which is neutral and non-polar, with serine, which is neutral and polar, at codon 158 of the IFNAR1 protein (p.Leu158Ser). This variant is not present in population databases (gnomAD no frequency). This variant has not been reported in the literature in individuals affected with IFNAR1-related conditions. Algorithms developed to predict the effect of missense changes on protein structure and function output the following: SIFT: "Not Available"; PolyPhen-2: "Benign"; Align-GVGD: "Not Available". The serine amino acid residue is found in multiple mammalian species, which suggests that this missense change does not adversely affect protein function. In summary, the available evidence is currently insufficient to determine the role of this variant in disease. Therefore, it has been classified as a Variant of Uncertain Significance.